The following is an entry in ClinVar:

ClinVar aggregate classification (germline): Uncertain significance (1 of 4 stars; one submission).

Submission:

Labcorp Genetics (formerly Invitae), Labcorp
Classification: Uncertain significance. Last evaluated: 2023-05-28. Review status: criteria provided, single submitter. Criteria: Invitae Variant Classification Sherloc (09022015). Collection method: clinical testing. Allele origin: germline.
Comment: In summary, the available evidence is currently insufficient to determine the role of this variant in disease. Therefore, it has been classified as a Variant of Uncertain Significance. This sequence change replaces serine, which is neutral and polar, with phenylalanine, which is neutral and non-polar, at codon 253 of the KCNQ4 protein (p.Ser253Phe). This variant is not present in population databases (gnomAD no frequency). This variant has not been reported in the literature in individuals affected with KCNQ4-related conditions. Advanced modeling of protein sequence and biophysical properties (such as structural, functional, and spatial information, amino acid conservation, physicochemical variation, residue mobility, and thermodynamic stability) performed at Invitae indicates that this missense variant is expected to disrupt KCNQ4 protein function.

NM_004700.4(KCNQ4):c.758C>T (p.Ser253Phe)

Gene: KCNQ4 (potassium voltage-gated channel subfamily Q member 4; plus strand). Cytogenetic location: 1p34.2.
Variant type: single nucleotide variant.
Coding change: c.758C>T on transcript NM_004700.4 (MANE Select); coding-DNA position 758, C replaced by T.
Protein change: p.Ser253Phe; replaces serine 253 with phenylalanine.
Molecular consequence: missense variant.
Genome position (GRCh38, 1-based): chr1:40,819,396, C>T. VCF-style: chr1-40819396-C-T. GRCh37 (hg19) VCF-style: chr1-41285068-C-T.
Other names: c.758C>T, p.Ser253Phe (NM_172163.3); short protein forms S253F.
Identifiers: ClinVar variation 2744832 (VCV002744832.3), dbSNP rs1282231132, ClinGen allele CA339895484.